The following is an entry in ClinVar:

NM_016216.4(DBR1):c.1373C>A (p.Ala458Asp)

Gene: DBR1 (debranching RNA lariats 1; minus strand). Cytogenetic location: 3q22.3.
Variant type: single nucleotide variant.
Coding change: c.1373C>A on transcript NM_016216.4 (MANE Select); coding-DNA position 1373, C replaced by A.
Protein change: p.Ala458Asp; replaces alanine 458 with aspartic acid.
Molecular consequence: missense variant.
Genome position (GRCh38, 1-based): chr3:138,162,151, G>T on the plus strand (C>A on the coding strand, the complement: DBR1 is on the minus strand). VCF-style: chr3-138162151-G-T. GRCh37 (hg19) VCF-style: chr3-137880993-G-T.
Other names: c.1373C>A (NM_016216.3); short protein forms A458D.
Identifiers: ClinVar variation 2068725 (VCV002068725.5), dbSNP rs141868923, ClinGen allele CA2635672.

ClinVar aggregate classification (germline): Uncertain significance. Review status: criteria provided, multiple submitters, no conflicts (2 of 4 stars). 2 submissions from 2 submitters: Uncertain significance (2). Last evaluated 2025-09-22.

Conditions:
Inborn genetic diseases. Identifiers: MedGen C0950123, MeSH D030342.

Allele frequency attached by ClinVar (database versions not stated): ExAC 0.00009; gnomAD 0.00013; ESP Exome Variant Server 0.00023; TOPMed 0.00009.
gnomAD v4.1: 285 of 1,614,044 alleles (0.018%); highest among the groups gnomAD compares: Non-Finnish European, 0.023%; no homozygotes.

Submissions (2):

Ambry Genetics
Classification: Uncertain significance for Inborn genetic diseases. Last evaluated: 2025-09-22. Review status: criteria provided, single submitter. Criteria: Ambry Variant Classification Scheme 2023. Collection method: clinical testing. Allele origin: germline.

Labcorp Genetics (formerly Invitae), Labcorp
Classification: Uncertain significance. Last evaluated: 2023-11-24. Review status: criteria provided, single submitter. Criteria: Invitae Variant Classification Sherloc (09022015). Collection method: clinical testing. Allele origin: germline.
Comment: This sequence change replaces alanine, which is neutral and non-polar, with aspartic acid, which is acidic and polar, at codon 458 of the DBR1 protein (p.Ala458Asp). This variant is present in population databases (rs141868923, gnomAD 0.02%). This variant has not been reported in the literature in individuals affected with DBR1-related conditions. ClinVar contains an entry for this variant (Variation ID: 2068725). An algorithm developed to predict the effect of missense changes on protein structure and function (PolyPhen-2) suggests that this variant¬†is likely to be tolerated. In summary, the available evidence is currently insufficient to determine the role of this variant in disease. Therefore, it has been classified as a Variant of Uncertain Significance.